The following is an entry in ClinVar:

NM_206933.4(USH2A):c.8860C>T (p.Gln2954Ter)

Gene: USH2A (usherin; minus strand). Cytogenetic location: 1q41.
Variant type: single nucleotide variant.
Coding change: c.8860C>T on transcript NM_206933.4 (MANE Select); coding-DNA position 8860, C replaced by T.
Protein change: p.Gln2954Ter; replaces glutamine 2954 with a stop codon.
Molecular consequence: nonsense.
Genome position (GRCh38, 1-based): chr1:215,846,019, G>A on the plus strand (C>T on the coding strand, the complement: USH2A is on the minus strand). VCF-style: chr1-215846019-G-A. GRCh37 (hg19) VCF-style: chr1-216019361-G-A.
Other names: short protein forms Q2954*.
Identifiers: ClinVar variation 1723921 (VCV001723921.2), dbSNP rs2464612427, ClinGen allele CA344842198.

ClinVar aggregate classification (germline): Likely pathogenic (1 of 4 stars; one submission).

Conditions:
Usher syndrome type 2A. Also called: RETINAL DISEASE IN USHER SYNDROME TYPE IIA, MODIFIER OF; USHER SYNDROME, TYPE IIA. Identifiers: Orphanet 231178, Orphanet 886, MedGen C1848634, MONDO:0010169, OMIM 276901.

Submission:

Myriad Genetics, Inc.
Classification: Likely pathogenic for Usher syndrome type 2A. Last evaluated: 2022-01-09. Review status: criteria provided, single submitter. Criteria: Myriad Women's Health Autosomal Recessive and X-Linked Classification Criteria (2021). Collection method: clinical testing. Allele origin: unknown.
Comment: NM_206933.2(USH2A):c.8860C>T(Q2954*) is expected to be pathogenic in the context of USH2A-related disorders. This variant is predicted to lead to an abnormal or absent protein product due to the creation of a premature termination codon in USH2A, a gene where loss-of-function variants are known to be pathogenic. Please note: this variant was assessed in the context of healthy population screening.